The following is an entry in ClinVar:

ClinVar aggregate classification (germline): Uncertain significance (1 of 4 stars; one submission).

Conditions:
Ataxia-telangiectasia syndrome (AT). Also called: Cerebello-oculocutaneous telangiectasia; Immunodeficiency with ataxia telangiectasia; Ataxia-telangiectasia, complementation group E; Ataxia telangiectasia (A-T); LOUIS-BAR SYNDROME; ATAXIA-TELANGIECTASIA, COMPLEMENTATION GROUP A. Identifiers: Orphanet 100, MedGen C0004135, MONDO:0008840, OMIM 208900.

Submission:

Labcorp Genetics (formerly Invitae), Labcorp
Classification: Uncertain significance for Ataxia-telangiectasia syndrome. Last evaluated: 2023-07-14. Review status: criteria provided, single submitter. Criteria: Invitae Variant Classification Sherloc (09022015). Collection method: clinical testing. Allele origin: germline.
Comment: In summary, the available evidence is currently insufficient to determine the role of this variant in disease. Therefore, it has been classified as a Variant of Uncertain Significance. Advanced modeling of protein sequence and biophysical properties (such as structural, functional, and spatial information, amino acid conservation, physicochemical variation, residue mobility, and thermodynamic stability) performed at Invitae indicates that this missense variant is not expected to disrupt ATM protein function. This variant has not been reported in the literature in individuals affected with ATM-related conditions. This variant is not present in population databases (gnomAD no frequency). This sequence change replaces glutamine, which is neutral and polar, with arginine, which is basic and polar, at codon 95 of the ATM protein (p.Gln95Arg).

NM_000051.4(ATM):c.284A>G (p.Gln95Arg)

Gene: ATM (ATM serine/threonine kinase; plus strand). Cytogenetic location: 11q22.3.
Variant type: single nucleotide variant.
Coding change: c.284A>G on transcript NM_000051.4 (MANE Select); coding-DNA position 284, A replaced by G.
Protein change: p.Gln95Arg; replaces glutamine 95 with arginine.
Molecular consequence: missense variant.
Genome position (GRCh38, 1-based): chr11:108,229,276, A>G. VCF-style: chr11-108229276-A-G. GRCh37 (hg19) VCF-style: chr11-108100003-A-G.
Other names: c.284A>G, p.Gln95Arg (NM_001351834.2, NM_001351835.2, NM_001351836.2); short protein forms Q95R.
Identifiers: ClinVar variation 2778223 (VCV002778223.3), dbSNP rs2135036415, ClinGen allele CA382521700.